The following is an entry in ClinVar:

ClinVar aggregate classification (germline): Conflicting classifications of pathogenicity. Review status: criteria provided, conflicting classifications (1 of 4 stars). 3 submissions from 3 submitters: Likely pathogenic (1); Uncertain significance (2). Last evaluated 2024-04-25.

Conditions:
SGSH-related disorder. Also called: SGSH-related condition.
Mucopolysaccharidosis, MPS-III-A (MPS3A). Also called: HEPARAN SULFATE SULFATASE DEFICIENCY; SANFILIPPO SYNDROME A; SULFAMIDASE DEFICIENCY; MPS III A; MPS IIIA (Sanfilippo Syndrome Type A); Mucopolysaccharidosis type IIIA (Sanfilippo A). Identifiers: Orphanet 581, Orphanet 79269, MedGen C0086647, MONDO:0009655, OMIM 252900.

Allele frequency attached by ClinVar (database versions not stated): gnomAD exomes below 0.00001.
gnomAD v4.1: 1 of 1,610,364 alleles (0.000062%); highest among the groups gnomAD compares: Non-Finnish European, 0.000085%; no homozygotes.

Submissions (3):

Labcorp Genetics (formerly Invitae), Labcorp
Classification: Uncertain significance for Mucopolysaccharidosis, MPS-III-A. Last evaluated: 2024-04-25. Review status: criteria provided, single submitter. Criteria: Invitae Variant Classification Sherloc (09022015). Collection method: clinical testing. Allele origin: germline.
Comment: This sequence change replaces histidine, which is basic and polar, with arginine, which is basic and polar, at codon 84 of the SGSH protein (p.His84Arg). This variant is not present in population databases (gnomAD no frequency). This missense change has been observed in individual(s) with mucopolysaccharidosis type IIIA (PMID: 21204211). ClinVar contains an entry for this variant (Variation ID: 1464937). An algorithm developed to predict the effect of missense changes on protein structure and function (PolyPhen-2) suggests that this variant is likely to be disruptive. This variant disrupts the p.His84 amino acid residue in SGSH. Other variant(s) that disrupt this residue have been observed in individuals with SGSH-related conditions (PMID: 11182930), which suggests that this may be a clinically significant amino acid residue. In summary, the available evidence is currently insufficient to determine the role of this variant in disease. Therefore, it has been classified as a Variant of Uncertain Significance.

Blueprint Genetics
Classification: Likely pathogenic for SGSH-related disorders. Last evaluated: 2022-05-16. Review status: criteria provided, single submitter. Criteria: ACMG Guidelines, 2015. Collection method: clinical testing. Allele origin: germline. Affected: yes. Observed: 2 variant alleles.

Fulgent Genetics
Classification: Uncertain significance for Mucopolysaccharidosis, MPS-III-A. Last evaluated: 2021-10-16. Review status: criteria provided, single submitter. Criteria: ACMG Guidelines, 2015. Collection method: clinical testing. Allele origin: unknown.

Literature cited by the submitters: PubMed 21204211 (cited by Labcorp Genetics (formerly Invitae), Labcorp); PubMed 11182930 (cited by Labcorp Genetics (formerly Invitae), Labcorp).

NM_000199.5(SGSH):c.251A>G (p.His84Arg)

Gene: SGSH (N-sulfoglucosamine sulfohydrolase; minus strand). Cytogenetic location: 17q25.3.
Variant type: single nucleotide variant.
Coding change: c.251A>G on transcript NM_000199.5 (MANE Select); coding-DNA position 251, A replaced by G.
Protein change: p.His84Arg; replaces histidine 84 with arginine.
Molecular consequence: missense variant.
Genome position (GRCh38, 1-based): chr17:80,215,137, T>C on the plus strand (A>G on the coding strand, the complement: SGSH is on the minus strand). VCF-style: chr17-80215137-T-C. GRCh37 (hg19) VCF-style: chr17-78188936-T-C.
Other names: c.251A>G, p.His84Arg (NM_001352921.3, NM_001352922.2); short protein forms H84R.
Identifiers: ClinVar variation 1464937 (VCV001464937.8), dbSNP rs2144755254, ClinGen allele CA401364031.